The following is an entry in ClinVar:

NM_000551.4(VHL):c.341-6C>A

Genes: VHL (von Hippel-Lindau tumor suppressor; plus strand), LOC107303340 (3p25 von Hippel-Lindau tumor suppressor, E3 ubiquitin protein ligase Alu-mediated recombination region; plus strand). Cytogenetic location: 3p25.3.
Variant type: single nucleotide variant.
Coding change: c.341-6C>A on transcript NM_000551.4 (MANE Select); 6 bases into the intron before coding-DNA position 341, C replaced by A.
Molecular consequence: intron variant.
Genome position (GRCh38, 1-based): chr3:10,146,508, C>A. VCF-style: chr3-10146508-C-A. GRCh37 (hg19) VCF-style: chr3-10188192-C-A.
Other names: c.*18-3279C>A (NM_001354723.2); c.341-3279C>A (NM_198156.3).
Identifiers: ClinVar variation 2949436 (VCV002949436.3), dbSNP rs191201783, ClinGen allele CA2701934384.

ClinVar aggregate classification (germline): Uncertain significance (1 of 4 stars; one submission).

Conditions:
Von Hippel-Lindau syndrome (VHLS). Also called: von Hippel–Lindau syndrome; VHL syndrome; Von Hippel-Lindau. Identifiers: Orphanet 892, MedGen C0019562, MONDO:0008667, OMIM 193300. Disease mechanism: loss of function.
Chuvash polycythemia. Also called: POLYCYTHEMIA, VHL-DEPENDENT. Identifiers: Orphanet 238557, MedGen C1837915, MONDO:0009892, OMIM 263400.

Submission:

Labcorp Genetics (formerly Invitae), Labcorp
Classification: Uncertain significance for Von Hippel-Lindau syndrome; Chuvash polycythemia. Last evaluated: 2023-11-02. Review status: criteria provided, single submitter. Criteria: Invitae Variant Classification Sherloc (09022015). Collection method: clinical testing. Allele origin: germline.
Comment: This sequence change falls in intron 1 of the VHL gene. It does not directly change the encoded amino acid sequence of the VHL protein. This variant is not present in population databases (gnomAD no frequency). This variant has not been reported in the literature in individuals affected with VHL-related conditions. Studies have shown that this variant is associated with inconclusive levels of altered splicing (Invitae). In summary, the available evidence is currently insufficient to determine the role of this variant in disease. Therefore, it has been classified as a Variant of Uncertain Significance.